The following is an entry in ClinVar:

NM_020247.5(COQ8A):c.1343T>C (p.Val448Ala)

Gene: COQ8A (coenzyme Q8A; plus strand). Cytogenetic location: 1q42.13.
Variant type: single nucleotide variant.
Coding change: c.1343T>C on transcript NM_020247.5 (MANE Select); coding-DNA position 1343, T replaced by C.
Protein change: p.Val448Ala; replaces valine 448 with alanine.
Molecular consequence: missense variant.
Genome position (GRCh38, 1-based): chr1:226,984,180, T>C. VCF-style: chr1-226984180-T-C. GRCh37 (hg19) VCF-style: chr1-227171881-T-C.
Other names: short protein forms V448A.
Identifiers: ClinVar variation 874682 (VCV000874682.6), dbSNP rs750053661, ClinGen allele CA1425446.

ClinVar aggregate classification (germline): Uncertain significance. Review status: criteria provided, multiple submitters, no conflicts (2 of 4 stars). 3 submissions from 3 submitters: Uncertain significance (3). Last evaluated 2026-03-31.

Conditions:
Autosomal recessive ataxia due to ubiquinone deficiency. Also called: Coenzyme Q10 deficiency, primary, 4; SPINOCEREBELLAR ATAXIA, AUTOSOMAL RECESSIVE 9. Identifiers: Orphanet 139485, MedGen C2677589, MONDO:0012784, OMIM 612016.

Allele frequency attached by ClinVar (database versions not stated): TOPMed 0.00001; ExAC 0.00001; gnomAD 0.00001; gnomAD exomes 0.00001.
gnomAD v4.1: 24 of 1,613,680 alleles (0.0015%); highest among the groups gnomAD compares: Middle Eastern, 0.066%; no homozygotes.

Submissions (3):

GeneDx
Classification: Uncertain significance. Last evaluated: 2026-03-31. Review status: criteria provided, single submitter. Criteria: GeneDx Variant Classification Process June 2021. Collection method: clinical testing. Allele origin: germline.
Comment: Has not been previously published as pathogenic or benign to our knowledge; Not observed at significant frequency in large population cohorts (gnomAD); In silico analysis supports that this missense variant has a deleterious effect on protein structure/function

Labcorp Genetics (formerly Invitae), Labcorp
Classification: Uncertain significance. Last evaluated: 2022-10-13. Review status: criteria provided, single submitter. Criteria: Invitae Variant Classification Sherloc (09022015). Collection method: clinical testing. Allele origin: germline.
Comment: This sequence change replaces valine, which is neutral and non-polar, with alanine, which is neutral and non-polar, at codon 448 of the COQ8A protein (p.Val448Ala). This variant is present in population databases (rs750053661, gnomAD 0.003%). This variant has not been reported in the literature in individuals affected with COQ8A-related conditions. ClinVar contains an entry for this variant (Variation ID: 874682). Advanced modeling of protein sequence and biophysical properties (such as structural, functional, and spatial information, amino acid conservation, physicochemical variation, residue mobility, and thermodynamic stability) has been performed at Invitae for this missense variant, however the output from this modeling did not meet the statistical confidence thresholds required to predict the impact of this variant on COQ8A protein function. In summary, the available evidence is currently insufficient to determine the role of this variant in disease. Therefore, it has been classified as a Variant of Uncertain Significance.

Illumina Laboratory Services, Illumina
Classification: Uncertain significance for Autosomal recessive ataxia due to ubiquinone deficiency. Last evaluated: 2018-01-13. Review status: criteria provided, single submitter. Criteria: ICSL Variant Classification Criteria 13 December 2019. Collection method: clinical testing. Allele origin: germline.